The following is an entry in ClinVar:

ClinVar aggregate classification (germline): Likely pathogenic (1 of 4 stars; one submission).

Conditions:
Autosomal recessive limb-girdle muscular dystrophy type 2D (LGMDR3). Also called: DUCHENNE-LIKE AUTOSOMAL RECESSIVE MUSCULAR DYSTROPHY, TYPE 2; MUSCULAR DYSTROPHY, LIMB-GIRDLE, AUTOSOMAL RECESSIVE 3; ADHALINOPATHY, PRIMARY. Identifiers: Orphanet 62, MedGen C2936332, MONDO:0011968, OMIM 608099. Disease mechanism: Affects gamma-sarcoglycan and also disrupts the integrity of the entire sarcoglycan complex..

Submission:

3billion
Classification: Likely pathogenic for Autosomal recessive limb-girdle muscular dystrophy type 2D. Last evaluated: 2024-11-27. Review status: criteria provided, single submitter. Criteria: ACMG Guidelines, 2015. Collection method: clinical testing. Allele origin: germline. Affected: yes.
Comment: The variant is not observed in the gnomAD v4.1.0 dataset. Predicted Consequence/Location: Missense variant In silico tool predictions suggest damaging effect of the variant on gene or gene product [REVEL: 0.86 (>=0.6, sensitivity 0.68 and specificity 0.92)]. A different missense change at the same codon (p.Ala64Thr) has been reported to be associated with SGCA related disorder (PMID: 30218921). Therefore, this variant is classified as Likely pathogenic according to the recommendation of ACMG/AMP guideline.

Literature cited by the submitters: PubMed 30218921.

NM_000023.4(SGCA):c.191C>A (p.Ala64Asp)

Gene: SGCA (sarcoglycan alpha; plus strand). Cytogenetic location: 17q21.33.
Variant type: single nucleotide variant.
Coding change: c.191C>A on transcript NM_000023.4 (MANE Select); coding-DNA position 191, C replaced by A.
Protein change: p.Ala64Asp; replaces alanine 64 with aspartic acid.
Molecular consequence: missense variant. On other transcripts: non-coding transcript variant (1).
Genome position (GRCh38, 1-based): chr17:50,167,615, C>A. VCF-style: chr17-50167615-C-A. GRCh37 (hg19) VCF-style: chr17-48244976-C-A.
Other names: c.191C>A, p.Ala64Asp (NM_001135697.3); short protein forms A64D.
Identifiers: ClinVar variation 4293792 (VCV004293792.1).